The following is an entry in ClinVar:

NM_024642.5(GALNT12):c.1298A>G (p.Tyr433Cys)

Gene: GALNT12 (polypeptide N-acetylgalactosaminyltransferase 12; plus strand). Cytogenetic location: 9q22.33.
Variant type: single nucleotide variant.
Coding change: c.1298A>G on transcript NM_024642.5 (MANE Select); coding-DNA position 1298, A replaced by G.
Protein change: p.Tyr433Cys; replaces tyrosine 433 with cysteine.
Molecular consequence: missense variant.
Genome position (GRCh38, 1-based): chr9:98,840,087, A>G. VCF-style: chr9-98840087-A-G. GRCh37 (hg19) VCF-style: chr9-101602369-A-G.
Other names: short protein forms Y433C.
Identifiers: ClinVar variation 818836 (VCV000818836.4), dbSNP rs1588455795, ClinGen allele CA374221069.

ClinVar aggregate classification (germline): Uncertain significance (1 of 4 stars; one submission).

Allele frequency attached by ClinVar (database versions not stated): gnomAD exomes below 0.00001.
gnomAD v4.1: 1 of 1,614,168 alleles (0.000062%); highest among the groups gnomAD compares: Non-Finnish European, 0.000085%; no homozygotes.

Submission:

Ambry Genetics
Classification: Uncertain significance. Last evaluated: 2019-09-11. Review status: criteria provided, single submitter. Criteria: Ambry Variant Classification Scheme 2023. Collection method: clinical testing. Allele origin: germline.
Comment: The p.Y433C variant (also known as c.1298A>G), located in coding exon 7 of the GALNT12 gene, results from an A to G substitution at nucleotide position 1298. The tyrosine at codon 433 is replaced by cysteine, an amino acid with highly dissimilar properties. This amino acid position is highly conserved in available vertebrate species. In addition, this alteration is predicted to be deleterious by in silico analysis. Since supporting evidence is limited at this time, the clinical significance of this alteration remains unclear.